The following is an entry in ClinVar:

ClinVar aggregate classification (germline): Uncertain significance (1 of 4 stars; one submission).

Conditions:
Schimke immuno-osseous dysplasia (SIOD). Also called: Schimke Immunoosseous Dysplasia. Identifiers: Orphanet 1830, MedGen C0877024, MONDO:0009458, OMIM 242900.

gnomAD v4.1: 1 of 1,614,232 alleles (0.000062%); highest among the groups gnomAD compares: Admixed American, 0.0017%; no homozygotes.

Submission:

Labcorp Genetics (formerly Invitae), Labcorp
Classification: Uncertain significance for Schimke immuno-osseous dysplasia. Last evaluated: 2022-08-07. Review status: criteria provided, single submitter. Criteria: Invitae Variant Classification Sherloc (09022015). Collection method: clinical testing. Allele origin: germline.
Comment: In summary, the available evidence is currently insufficient to determine the role of this variant in disease. Therefore, it has been classified as a Variant of Uncertain Significance. Algorithms developed to predict the effect of sequence changes on RNA splicing suggest that this variant may create or strengthen a splice site. Algorithms developed to predict the effect of missense changes on protein structure and function (SIFT, PolyPhen-2, Align-GVGD) all suggest that this variant is likely to be tolerated. This variant has not been reported in the literature in individuals affected with SMARCAL1-related conditions. This variant is not present in population databases (gnomAD no frequency). This sequence change replaces alanine, which is neutral and non-polar, with glycine, which is neutral and non-polar, at codon 778 of the SMARCAL1 protein (p.Ala778Gly).

NM_014140.4(SMARCAL1):c.2333C>G (p.Ala778Gly)

Gene: SMARCAL1 (SNF2 related chromatin remodeling annealing helicase 1; plus strand). Cytogenetic location: 2q35.
Variant type: single nucleotide variant.
Coding change: c.2333C>G on transcript NM_014140.4 (MANE Select); coding-DNA position 2333, C replaced by G.
Protein change: p.Ala778Gly; replaces alanine 778 with glycine.
Molecular consequence: missense variant.
Genome position (GRCh38, 1-based): chr2:216,475,357, C>G. VCF-style: chr2-216475357-C-G. GRCh37 (hg19) VCF-style: chr2-217340080-C-G.
Other names: c.2333C>G, p.Ala778Gly (NM_001127207.2); short protein forms A778G.
Identifiers: ClinVar variation 1923503 (VCV001923503.5), dbSNP rs770954000, ClinGen allele CA350504158.
Genomic context (GRCh38, chr2:216,475,357, plus strand): 5'-CCACCTCATCAGCTGAGCGGGAGGACCTGTGCCAGCAGTTCCAACTGTCGGAGAGGCATG[C>G]TGTGGCCGTGCTGTCCATCACCGCTGCCAATATGGGCCTCACCTTCTCCTCGGCTGACCT-3'
Protein context (NP_054859.2, residues 768-788): CQQFQLSERH[Ala778Gly]VAVLSITAAN